The following is an entry in ClinVar:

NM_000059.4(BRCA2):c.4848A>G (p.Leu1616=)

Gene: BRCA2 (BRCA2 DNA repair associated; plus strand). Cytogenetic location: 13q13.1.
Variant type: single nucleotide variant.
Coding change: c.4848A>G on transcript NM_000059.4 (MANE Select); coding-DNA position 4848, A replaced by G.
Protein change: p.Leu1616=; no amino-acid change (leucine 1616 retained).
Molecular consequence: synonymous variant.
Genome position (GRCh38, 1-based): chr13:32,339,203, A>G. VCF-style: chr13-32339203-A-G. GRCh37 (hg19) VCF-style: chr13-32913340-A-G.
Identifiers: ClinVar variation 231605 (VCV000231605.7), dbSNP rs876659259, ClinGen allele CA10579637.

ClinVar aggregate classification (germline): Likely benign. Review status: reviewed by expert panel (3 of 4 stars). 2 submissions from 2 submitters: Likely benign (1). 1 of the submissions does not count toward it. Last evaluated 2017-06-29.

Conditions:
Hereditary cancer-predisposing syndrome. Also called: Hereditary Cancer Syndrome; Neoplastic Syndromes, Hereditary; Tumor predisposition; Hereditary neoplastic syndrome. Identifiers: Orphanet 140162, MedGen C0027672, MeSH D009386, MONDO:0015356.
Breast-ovarian cancer, familial, susceptibility to, 2 (BROVCA2). Also called: BRCA2 Hereditary Breast and Ovarian Cancer. Identifiers: Orphanet 145, MedGen C2675520, MONDO:0012933, OMIM 612555. Disease mechanism: loss of function.

Submissions (2):

Evidence-based Network for the Interpretation of Germline Mutant Alleles (ENIGMA)
Classification: Likely benign for Breast-ovarian cancer, familial, susceptibility to, 2. Last evaluated: 2017-06-29. Review status: reviewed by expert panel. Criteria: ENIGMA BRCA1/2 Classification Criteria (2017-06-29). Collection method: curation. Allele origin: germline.
Comment: Synonymous substitution variant, with low bioinformatic likelihood to result in a splicing aberration (Splicing prior probability 0.02).

Ambry Genetics
Classification: Likely benign for Hereditary cancer-predisposing syndrome. Last evaluated: 2015-05-01. Review status: criteria provided, single submitter. Criteria: Ambry Variant Classification Scheme 2023. Collection method: clinical testing. Allele origin: germline. Not counted in ClinVar's aggregate classification.